The following is an entry in ClinVar:

NM_015909.4(NBAS):c.3193A>T (p.Thr1065Ser)

Gene: NBAS (NBAS subunit of NRZ tethering complex; minus strand). Cytogenetic location: 2p24.3.
Variant type: single nucleotide variant.
Coding change: c.3193A>T on transcript NM_015909.4 (MANE Select); coding-DNA position 3193, A replaced by T.
Protein change: p.Thr1065Ser; replaces threonine 1065 with serine.
Molecular consequence: missense variant. On other transcripts: non-coding transcript variant (1).
Genome position (GRCh38, 1-based): chr2:15,394,291, T>A on the plus strand (A>T on the coding strand, the complement: NBAS is on the minus strand). VCF-style: chr2-15394291-T-A. GRCh37 (hg19) VCF-style: chr2-15534415-T-A.
Other names: short protein forms T1065S.
Identifiers: ClinVar variation 1714374 (VCV001714374.5), dbSNP rs1311714657, ClinGen allele CA345880633.

ClinVar aggregate classification (germline): Uncertain significance (1 of 4 stars; one submission).

Submission:

Labcorp Genetics (formerly Invitae), Labcorp
Classification: Uncertain significance. Last evaluated: 2023-05-22. Review status: criteria provided, single submitter. Criteria: Invitae Variant Classification Sherloc (09022015). Collection method: clinical testing. Allele origin: germline.
Comment: This sequence change replaces threonine, which is neutral and polar, with serine, which is neutral and polar, at codon 1065 of the NBAS protein (p.Thr1065Ser). This variant is not present in population databases (gnomAD no frequency). This variant has not been reported in the literature in individuals affected with NBAS-related conditions. ClinVar contains an entry for this variant (Variation ID: 1714374). Advanced modeling of protein sequence and biophysical properties (such as structural, functional, and spatial information, amino acid conservation, physicochemical variation, residue mobility, and thermodynamic stability) performed at Invitae indicates that this missense variant is not expected to disrupt NBAS protein function. In summary, the available evidence is currently insufficient to determine the role of this variant in disease. Therefore, it has been classified as a Variant of Uncertain Significance.